The following is an entry in ClinVar:

ClinVar aggregate classification (germline): Benign/Likely benign. Review status: criteria provided, multiple submitters, no conflicts (2 of 4 stars). 7 submissions from 7 submitters: Benign (1); Likely benign (5). 1 of the submissions does not count toward it. Last evaluated 2026-09-01.

Conditions:
RAI1-related disorder. Also called: RAI1-related condition.
Inborn genetic diseases. Identifiers: MedGen C0950123, MeSH D030342.

Submissions (7):

CeGaT Center for Human Genetics Tuebingen
Classification: Benign. Last evaluated: 2026-09-01. Review status: criteria provided, single submitter. Criteria: CeGaT Center For Human Genetics Tuebingen Variant Classification Criteria Version 2. Collection method: clinical testing. Allele origin: germline. Affected: yes. Observed: 7 variant alleles.
Comment: RAI1: BS1, BS2

Labcorp Genetics (formerly Invitae), Labcorp
Classification: Likely benign. Last evaluated: 2026-01-26. Review status: criteria provided, single submitter. Criteria: Invitae Variant Classification Sherloc (09022015). Collection method: clinical testing. Allele origin: germline.

Laboratory of Genetics, Children's Clinical University Hospital Latvia
Classification: Likely benign. Last evaluated: 2025-02-16. Review status: criteria provided, single submitter. Criteria: ACMG Guidelines, 2015. Collection method: clinical testing. Allele origin: germline. Affected: yes.

Blueprint Genetics
Classification: Likely benign. Last evaluated: 2024-10-09. Review status: criteria provided, single submitter. Criteria: ACMG Guidelines, 2015. Collection method: clinical testing. Allele origin: germline.

GeneDx
Classification: Likely benign. Last evaluated: 2022-07-06. Review status: criteria provided, single submitter. Criteria: GeneDx Variant Classification Process June 2021. Collection method: clinical testing. Allele origin: germline. Affected: yes.
Comment: See Variant Classification Assertion Criteria.

Ambry Genetics
Classification: Likely benign for Inborn genetic diseases. Last evaluated: 2021-11-03. Review status: criteria provided, single submitter. Criteria: Ambry Variant Classification Scheme 2023. Collection method: clinical testing. Allele origin: germline.

PreventionGenetics, part of Exact Sciences
Classification: Likely benign for RAI1-related condition. Last evaluated: 2019-07-22. Review status: no assertion criteria provided. Collection method: clinical testing. Allele origin: germline. Not counted in ClinVar's aggregate classification.
Comment: This variant is classified as likely benign based on ACMG/AMP sequence variant interpretation guidelines (Richards et al. 2015 PMID: 25741868, with internal and published modifications).

NM_030665.4(RAI1):c.834GCA[15] (p.Gln290_Gln291dup)

Gene: RAI1 (retinoic acid induced 1; plus strand). Cytogenetic location: 17p11.2.
Variant type: Microsatellite.
Coding change: c.834GCA[15] on transcript NM_030665.4 (MANE Select); 15 copies in a row of the 3-base unit GCA starting at c.834; the reference has 13 copies in a row; two copies, 6 bases duplicated; also written c.867_872dup.
Protein change: p.Gln290_Gln291dup.
Molecular consequence: inframe insertion.
Genome position (GRCh38, 1-based): chr17:17,793,815-17,793,820, GCAGCA duplicated; duplicating any 6 consecutive bases within chr17:17,793,780-17,793,820 gives the same sequence; the position shown is the placement nearest the transcript's 3' end. VCF-style (leftmost placement, unchanged base first): chr17-17793779-C-CCAGCAG. GRCh37 (hg19) VCF-style: chr17-17697093-C-CCAGCAG.
Other names: c.867_872dup6 (NM_030665.3); c.867_872dup (NM_030665.3).
Identifiers: ClinVar variation 589308 (VCV000589308.44), dbSNP rs371983878, ClinGen allele CA726623066.